The following is an entry in ClinVar:

NM_000302.4(PLOD1):c.1097+220T>C

Gene: PLOD1 (procollagen-lysine,2-oxoglutarate 5-dioxygenase 1; plus strand). Cytogenetic location: 1p36.22.
Variant type: single nucleotide variant.
Coding change: c.1097+220T>C on transcript NM_000302.4 (MANE Select); 220 bases into the intron after coding-DNA position 1097, T replaced by C.
Molecular consequence: intron variant.
Genome position (GRCh38, 1-based): chr1:11,960,987, T>C. VCF-style: chr1-11960987-T-C. GRCh37 (hg19) VCF-style: chr1-12021044-T-C.
Other names: c.1238+220T>C (NM_001316320.2).
Identifiers: ClinVar variation 678590 (VCV000678590.2), dbSNP rs59578134, ClinGen allele CA10949257.

ClinVar aggregate classification (germline): Benign. Review status: criteria provided, multiple submitters, no conflicts (2 of 4 stars). 2 submissions from 2 submitters: Benign (2). Last evaluated 2018-06-14.

Allele frequency attached by ClinVar (database versions not stated): gnomAD 0.16411 and 0.16906; TOPMed 0.17454; 1000 Genomes Project 0.17951; 1000 Genomes Project 30x 0.18395.
gnomAD v4.1: 24,808 of 151,944 alleles (16%); highest among the groups gnomAD compares: African/African-American, 36%; 3,190 homozygotes.

Submissions (2):

GeneDx
Classification: Benign. Last evaluated: 2018-06-14. Review status: criteria provided, single submitter. Criteria: GeneDx Variant Classification (06012015). Collection method: clinical testing. Allele origin: germline. Affected: yes.
Comment: This variant is considered likely benign or benign based on one or more of the following criteria: it is a conservative change, it occurs at a poorly conserved position in the protein, it is predicted to be benign by multiple in silico algorithms, and/or has population frequency not consistent with disease.

Breakthrough Genomics
Classification: Benign. Review status: criteria provided, single submitter. Criteria: ACMG Guidelines, 2015. Collection method: not provided. Allele origin: germline. Inheritance: Autosomal recessive inheritance. Affected: yes.